The following is an entry in ClinVar:

ClinVar aggregate classification (germline): Likely benign. Review status: criteria provided, multiple submitters, no conflicts (2 of 4 stars). 3 submissions from 3 submitters: Likely benign (3). Last evaluated 2025-12-12.

Allele frequency attached by ClinVar (database versions not stated): gnomAD exomes 0.00002; ExAC 0.00003; gnomAD 0.00004; TOPMed 0.00004.
gnomAD v4.1: 31 of 1,614,020 alleles (0.0019%); highest among the groups gnomAD compares: South Asian, 0.013%; 1 homozygote.

Submissions (3):

Mayo Clinic Laboratories, Mayo Clinic
Classification: Likely benign. Last evaluated: 2025-12-12. Review status: criteria provided, single submitter. Criteria: ACMG Guidelines, 2015. Collection method: clinical testing. Allele origin: germline. Observed: 1 variant allele.
Comment: BP4, BP7

Labcorp Genetics (formerly Invitae), Labcorp
Classification: Likely benign. Last evaluated: 2024-02-28. Review status: criteria provided, single submitter. Criteria: Invitae Variant Classification Sherloc (09022015). Collection method: clinical testing. Allele origin: germline.

Laboratory for Molecular Medicine, Mass General Brigham Personalized Medicine
Classification: Likely benign. Last evaluated: 2015-05-28. Review status: criteria provided, single submitter. Criteria: LMM Criteria. Collection method: clinical testing. Allele origin: germline. Observed: 1 variant allele.
Comment: p.Ala105Ala in exon 3 of BSND: This variant is not expected to have clinical sig nificance because it does not alter an amino acid residue and is not located wit hin the splice consensus sequence. It has been identified in 3/16510 South Asian chromosomes by the Exome Aggregation Consortium (ExAC).

NM_057176.3(BSND):c.315C>T (p.Ala105=)

Gene: BSND (barttin CLCNK type accessory subunit beta; plus strand). Cytogenetic location: 1p32.3.
Variant type: single nucleotide variant.
Coding change: c.315C>T on transcript NM_057176.3 (MANE Select); coding-DNA position 315, C replaced by T.
Protein change: p.Ala105=; no amino-acid change (alanine 105 retained).
Molecular consequence: synonymous variant.
Genome position (GRCh38, 1-based): chr1:55,007,039, C>T. VCF-style: chr1-55007039-C-T. GRCh37 (hg19) VCF-style: chr1-55472712-C-T.
Other names: p.Ala105=.
Identifiers: ClinVar variation 227190 (VCV000227190.15), dbSNP rs757808729, ClinGen allele CA871302.